The following is an entry in ClinVar:

ClinVar aggregate classification (germline): Uncertain significance (1 of 4 stars; one submission).

Conditions:
Baller-Gerold syndrome (BGS). Also called: CRANIOSYNOSTOSIS WITH RADIAL DEFECTS. Identifiers: Orphanet 1225, MedGen C0265308, MONDO:0009039, OMIM 218600.

Submission:

Labcorp Genetics (formerly Invitae), Labcorp
Classification: Uncertain significance for Baller-Gerold syndrome. Last evaluated: 2022-01-17. Review status: criteria provided, single submitter. Criteria: Invitae Variant Classification Sherloc (09022015). Collection method: clinical testing. Allele origin: germline.
Comment: This sequence change affects the initiator methionine of the RECQL4 mRNA. The next in-frame methionine is located at codon 358. In summary, the available evidence is currently insufficient to determine the role of this variant in disease. Therefore, it has been classified as a Variant of Uncertain Significance. Experimental studies and prediction algorithms are not available or were not evaluated, and the functional significance of this variant is currently unknown. This variant has not been reported in the literature in individuals affected with RECQL4-related conditions. This variant is not present in population databases (gnomAD no frequency).

NM_004260.4(RECQL4):c.3G>A (p.Met1Ile)

Genes: RECQL4 (RecQ like helicase 4; minus strand), LOC130001411 (ATAC-STARR-seq lymphoblastoid silent region 19699; plus strand). Cytogenetic location: 8q24.3.
Variant type: single nucleotide variant.
Coding change: c.3G>A on transcript NM_004260.4 (MANE Select); coding-DNA position 3, G replaced by A.
Protein change: p.Met1Ile; changes the start codon (methionine 1).
Molecular consequence: missense variant, initiator codon variant.
Genome position (GRCh38, 1-based): chr8:144,517,782, C>T on the plus strand (G>A on the coding strand, the complement: RECQL4 is on the minus strand). VCF-style: chr8-144517782-C-T. GRCh37 (hg19) VCF-style: chr8-145743166-C-T.
Other names: c.3G>A, p.Met1Ile (NM_001413017.1, NM_001413018.1, NM_001413019.1 and 6 more transcripts); c.-783G>A (NM_001413021.1); c.-1134G>A (NM_001413022.1, NM_001413023.1, NM_001413037.1 and 2 more transcripts); c.-1031G>A (NM_001413024.1); c.-1131G>A (NM_001413027.1); c.-859G>A (NM_001413028.1); c.-1196G>A (NM_001413030.1, NM_001413031.1, NM_001413041.1); c.-1028G>A (NM_001413032.1); and 4 more; short protein forms M1I.
Identifiers: ClinVar variation 2077401 (VCV002077401.5), dbSNP rs1815451127, ClinGen allele CA372694045.